The following is an entry in ClinVar:

ClinVar aggregate classification (germline): Uncertain significance (1 of 4 stars; one submission).

Conditions:
Pyruvate kinase hyperactivity. Identifiers: MedGen C1863224, MONDO:0007067, OMIM 102900.

Submission:

OLLIN Analises Genomicas, OLLIN
Classification: Uncertain significance for Pyruvate kinase hyperactivity. Last evaluated: 2026-08-06. Review status: criteria provided, single submitter. Criteria: ACMG Guidelines 2015 PMID 25741868. Collection method: clinical testing. Allele origin: germline. Inheritance: Autosomal dominant inheritance.
Comment: This missense variant, located in exon 3 (of 11), has been observed in gnomAD with an allele frequency of 0.000062%, but has not been reported in ClinVar or identified in the literature. In silico analysis is inconclusive regarding the impact of this variant. According to the currently available evidence, this variant has been classified as uncertain significance (PM2_P).

NM_000298.6(PKLR):c.307C>T (p.Arg103Cys)

Gene: PKLR (pyruvate kinase L/R; minus strand). Cytogenetic location: 1q22.
Variant type: single nucleotide variant.
Coding change: c.307C>T on transcript NM_000298.6 (MANE Select); coding-DNA position 307, C replaced by T.
Protein change: p.Arg103Cys; replaces arginine 103 with cysteine.
Molecular consequence: missense variant.
Genome position (GRCh38, 1-based): chr1:155,295,733, G>A on the plus strand (C>T on the coding strand, the complement: PKLR is on the minus strand). VCF-style: chr1-155295733-G-A. GRCh37 (hg19) VCF-style: chr1-155265524-G-A.
Other names: c.214C>T, p.Arg72Cys (NM_181871.4); short protein forms R103C, R72C.
Identifiers: ClinVar variation 5002810 (VCV005002810.1).